The following is an entry in ClinVar:

ClinVar aggregate classification (germline): Uncertain significance (1 of 4 stars; one submission).

Conditions:
Inborn genetic diseases. Identifiers: MedGen C0950123, MeSH D030342.

Submission:

Ambry Genetics
Classification: Uncertain significance for Inborn genetic diseases. Last evaluated: 2021-09-17. Review status: criteria provided, single submitter. Criteria: Ambry Variant Classification Scheme 2023. Collection method: clinical testing. Allele origin: germline.

NM_138927.4(SON):c.1843_1851del (p.Ala615_Ala617del)

Gene: SON (SON DNA and RNA binding protein; plus strand). Cytogenetic location: 21q22.11.
Variant type: Deletion.
Coding change: c.1843_1851del on transcript NM_138927.4 (MANE Select); coding-DNA positions 1843 to 1851, 9 bases deleted (GCTGGAGCA; older notation c.1843_1851delGCTGGAGCA).
Protein change: p.Ala615_Ala617del.
Molecular consequence: inframe deletion. On other transcripts: inframe indel (3), non-coding transcript variant (1), intron variant (1).
Genome position (GRCh38, 1-based): chr21:33,551,074-33,551,082, GCTGGAGCA deleted; deleting any 9 consecutive bases within chr21:33,551,071-33,551,082 gives the same sequence; the c. name uses the placement nearest the transcript's 3' end. VCF-style (leftmost placement, unchanged base first): chr21-33551070-GGCAGCTGGA-G. GRCh37 (hg19) VCF-style: chr21-34923376-GGCAGCTGGA-G.
Other names: c.1843_1851del, p.Ala615_Ala617del (NM_001291411.2, NM_032195.3); c.1843_1851delGCTGGAGCA, p.Ala615_Ala617del (NM_001412133.1, NM_058183.2, NM_138926.1); c.244+4695_244+4703del (NM_001291412.3).
Identifiers: ClinVar variation 2241885 (VCV002241885.2), dbSNP rs2517358059, ClinGen allele CA2580098598.